The following is an entry in ClinVar:

NM_001079843.3(CASZ1):c.645G>A (p.Pro215=)

Gene: CASZ1 (castor zinc finger 1; minus strand). Cytogenetic location: 1p36.22.
Variant type: single nucleotide variant.
Coding change: c.645G>A on transcript NM_001079843.3 (MANE Select); coding-DNA position 645, G replaced by A.
Protein change: p.Pro215=; no amino-acid change (proline 215 retained).
Molecular consequence: synonymous variant.
Genome position (GRCh38, 1-based): chr1:10,660,397, C>T on the plus strand (G>A on the coding strand, the complement: CASZ1 is on the minus strand). VCF-style: chr1-10660397-C-T. GRCh37 (hg19) VCF-style: chr1-10720454-C-T.
Other names: c.645G>A, p.Pro215= (NM_017766.5).
Identifiers: ClinVar variation 730658 (VCV000730658.11), dbSNP rs149880030, ClinGen allele CA585353.

ClinVar aggregate classification (germline): Benign/Likely benign. Review status: criteria provided, multiple submitters, no conflicts (2 of 4 stars). 3 submissions from 3 submitters: Benign (2); Likely benign (1). Last evaluated 2026-09-01.

Allele frequency attached by ClinVar (database versions not stated): gnomAD exomes 0.00035 and 0.00090; ExAC 0.00123; gnomAD 0.00403 and 0.00429; TOPMed 0.00442; ESP Exome Variant Server 0.00454; 1000 Genomes Project 0.00479; 1000 Genomes Project 30x 0.00562.
gnomAD v4.1: 1,161 of 1,614,122 alleles (0.072%); highest among the groups gnomAD compares: African/African-American, 1.4%; 12 homozygotes.

Submissions (3):

CeGaT Center for Human Genetics Tuebingen
Classification: Likely benign. Last evaluated: 2026-09-01. Review status: criteria provided, single submitter. Criteria: CeGaT Center For Human Genetics Tuebingen Variant Classification Criteria Version 2. Collection method: clinical testing. Allele origin: germline. Affected: yes. Observed: 1 variant allele.
Comment: CASZ1: BP4, BP7, BS1

Labcorp Genetics (formerly Invitae), Labcorp
Classification: Benign. Last evaluated: 2025-12-01. Review status: criteria provided, single submitter. Criteria: Invitae Variant Classification Sherloc (09022015). Collection method: clinical testing. Allele origin: germline.

Breakthrough Genomics
Classification: Benign. Review status: criteria provided, single submitter. Criteria: ACMG Guidelines, 2015. Collection method: not provided. Allele origin: germline. Inheritance: Unknown mechanism. Affected: yes.